The following is an entry in ClinVar:

NM_013275.6(ANKRD11):c.1205C>T (p.Ala402Val)

Gene: ANKRD11 (ankyrin repeat domain 11; minus strand). Cytogenetic location: 16q24.3.
Variant type: single nucleotide variant.
Coding change: c.1205C>T on transcript NM_013275.6 (MANE Select); coding-DNA position 1205, C replaced by T.
Protein change: p.Ala402Val; replaces alanine 402 with valine.
Molecular consequence: missense variant.
Genome position (GRCh38, 1-based): chr16:89,285,337, G>A on the plus strand (C>T on the coding strand, the complement: ANKRD11 is on the minus strand). VCF-style: chr16-89285337-G-A. GRCh37 (hg19) VCF-style: chr16-89351745-G-A.
Other names: c.1205C>T, p.Ala402Val (NM_001256182.2, NM_001256183.2); short protein forms A402V.
Identifiers: ClinVar variation 2955652 (VCV002955652.3), dbSNP rs201526691, ClinGen allele CA8242839.

ClinVar aggregate classification (germline): Uncertain significance (1 of 4 stars; one submission).

Conditions:
KBG syndrome (KBGS). Also called: ANKRD11-Related KBG Syndrome. Identifiers: Orphanet 2332, MedGen C0220687, MONDO:0007846, OMIM 148050.

Allele frequency attached by ClinVar (database versions not stated): gnomAD exomes 0.00001; ExAC 0.00002; gnomAD 0.00002.
gnomAD v4.1: 20 of 1,614,022 alleles (0.0012%); highest among the groups gnomAD compares: South Asian, 0.0055%; no homozygotes.

Submission:

Labcorp Genetics (formerly Invitae), Labcorp
Classification: Uncertain significance for KBG syndrome. Last evaluated: 2023-10-04. Review status: criteria provided, single submitter. Criteria: Invitae Variant Classification Sherloc (09022015). Collection method: clinical testing. Allele origin: germline.
Comment: This sequence change replaces alanine, which is neutral and non-polar, with valine, which is neutral and non-polar, at codon 402 of the ANKRD11 protein (p.Ala402Val). This variant is present in population databases (rs201526691, gnomAD 0.01%). This variant has not been reported in the literature in individuals affected with ANKRD11-related conditions. Advanced modeling of protein sequence and biophysical properties (such as structural, functional, and spatial information, amino acid conservation, physicochemical variation, residue mobility, and thermodynamic stability) performed at Invitae indicates that this missense variant is not expected to disrupt ANKRD11 protein function. In summary, the available evidence is currently insufficient to determine the role of this variant in disease. Therefore, it has been classified as a Variant of Uncertain Significance.